The following is an entry in ClinVar:

NM_006231.4(POLE):c.478G>A (p.Val160Met)

Gene: POLE (DNA polymerase epsilon, catalytic subunit; minus strand). Cytogenetic location: 12q24.33.
Variant type: single nucleotide variant.
Coding change: c.478G>A on transcript NM_006231.4 (MANE Select); coding-DNA position 478, G replaced by A.
Protein change: p.Val160Met; replaces valine 160 with methionine.
Molecular consequence: missense variant.
Genome position (GRCh38, 1-based): chr12:132,679,597, C>T on the plus strand (G>A on the coding strand, the complement: POLE is on the minus strand). VCF-style: chr12-132679597-C-T. GRCh37 (hg19) VCF-style: chr12-133256183-C-T.
Other names: short protein forms V160M.
Identifiers: ClinVar variation 1469998 (VCV001469998.8), dbSNP rs1427894134, ClinGen allele CA387367304.

ClinVar aggregate classification (germline): Uncertain significance (1 of 4 stars; one submission).

Submission:

Labcorp Genetics (formerly Invitae), Labcorp
Classification: Uncertain significance. Last evaluated: 2024-06-26. Review status: criteria provided, single submitter. Criteria: Invitae Variant Classification Sherloc (09022015). Collection method: clinical testing. Allele origin: germline.
Comment: This sequence change replaces valine, which is neutral and non-polar, with methionine, which is neutral and non-polar, at codon 160 of the POLE protein (p.Val160Met). This variant is present in population databases (no rsID available, gnomAD no frequency). This variant has not been reported in the literature in individuals affected with POLE-related conditions. ClinVar contains an entry for this variant (Variation ID: 1469998). Advanced modeling of protein sequence and biophysical properties (such as structural, functional, and spatial information, amino acid conservation, physicochemical variation, residue mobility, and thermodynamic stability) performed at Invitae indicates that this missense variant is not expected to disrupt POLE protein function with a negative predictive value of 80%. In summary, the available evidence is currently insufficient to determine the role of this variant in disease. Therefore, it has been classified as a Variant of Uncertain Significance.